The following is an entry in ClinVar:

ClinVar aggregate classification (germline): Uncertain significance (1 of 4 stars; one submission).

Allele frequency attached by ClinVar (database versions not stated): gnomAD exomes below 0.00001 and 0.00002; ExAC 0.00001; gnomAD 0.00001; TOPMed 0.00001.
gnomAD v4.1: 12 of 1,596,196 alleles (0.00075%); highest among the groups gnomAD compares: Non-Finnish European, 0.0006%; no homozygotes.

Submission:

Labcorp Genetics (formerly Invitae), Labcorp
Classification: Uncertain significance. Last evaluated: 2021-08-27. Review status: criteria provided, single submitter. Criteria: Invitae Variant Classification Sherloc (09022015). Collection method: clinical testing. Allele origin: germline.
Comment: This sequence change replaces cysteine with arginine at codon 885 of the OBSL1 protein (p.Cys885Arg). The cysteine residue is weakly conserved and there is a large physicochemical difference between cysteine and arginine. This variant is present in population databases (rs755891769, ExAC 0.002%). This variant has not been reported in the literature in individuals affected with OBSL1-related conditions. Algorithms developed to predict the effect of missense changes on protein structure and function output the following: SIFT: "Tolerated"; PolyPhen-2: "Benign"; Align-GVGD: "Class C0". The arginine amino acid residue is found in multiple mammalian species, which suggests that this missense change does not adversely affect protein function. In summary, the available evidence is currently insufficient to determine the role of this variant in disease. Therefore, it has been classified as a Variant of Uncertain Significance.

NM_015311.3(OBSL1):c.2653T>C (p.Cys885Arg)

Gene: OBSL1 (obscurin like cytoskeletal adaptor 1; minus strand). Cytogenetic location: 2q35.
Variant type: single nucleotide variant.
Coding change: c.2653T>C on transcript NM_015311.3 (MANE Select); coding-DNA position 2653, T replaced by C.
Protein change: p.Cys885Arg; replaces cysteine 885 with arginine.
Molecular consequence: missense variant.
Genome position (GRCh38, 1-based): chr2:219,563,382, A>G on the plus strand (T>C on the coding strand, the complement: OBSL1 is on the minus strand). VCF-style: chr2-219563382-A-G. GRCh37 (hg19) VCF-style: chr2-220428104-A-G.
Other names: c.2653T>C, p.Cys885Arg (NM_001173408.2, NM_001173431.2); short protein forms C885R.
Identifiers: ClinVar variation 1016729 (VCV001016729.6), dbSNP rs755891769, ClinGen allele CA2131150.